The following is an entry in ClinVar:

ClinVar aggregate classification (germline): Pathogenic (1 of 4 stars; one submission).

gnomAD v4.1: 1 of 1,606,394 alleles (0.000062%); highest among the groups gnomAD compares: Non-Finnish European, 0.000085%; no homozygotes.

Submission:

Labcorp Genetics (formerly Invitae), Labcorp
Classification: Pathogenic. Last evaluated: 2022-09-26. Review status: criteria provided, single submitter. Criteria: Invitae Variant Classification Sherloc (09022015). Collection method: clinical testing. Allele origin: germline.
Comment: For these reasons, this variant has been classified as Pathogenic. This sequence change creates a premature translational stop signal (p.Arg1031*) in the CCDC88A gene. It is expected to result in an absent or disrupted protein product. Loss-of-function variants in CCDC88A are known to be pathogenic (PMID: 26917597, 30392057). This variant is not present in population databases (gnomAD no frequency). This variant has not been reported in the literature in individuals affected with CCDC88A-related conditions.

Literature cited by the submitters: PubMed 26917597; PubMed 30392057.

NM_001365480.1(CCDC88A):c.3094C>T (p.Arg1032Ter)

Gene: CCDC88A (coiled-coil and HOOK domain protein 88A; minus strand). Cytogenetic location: 2p16.1.
Variant type: single nucleotide variant.
Coding change: c.3094C>T on transcript NM_001365480.1 (MANE Select); coding-DNA position 3094, C replaced by T.
Protein change: p.Arg1032Ter; replaces arginine 1032 with a stop codon.
Molecular consequence: nonsense.
Genome position (GRCh38, 1-based): chr2:55,322,596, G>A on the plus strand (C>T on the coding strand, the complement: CCDC88A is on the minus strand). VCF-style: chr2-55322596-G-A. GRCh37 (hg19) VCF-style: chr2-55549732-G-A.
Other names: c.3091C>T, p.Arg1031Ter (NM_001135597.2, NM_001254943.2); c.3094C>T, p.Arg1032Ter (NM_018084.5); short protein forms R1031*, R1032*.
Identifiers: ClinVar variation 2032686 (VCV002032686.4), dbSNP rs746631923, ClinGen allele CA346895062.